The following is an entry in ClinVar:

NM_002336.3(LRP6):c.1021C>T (p.Arg341Cys)

Gene: LRP6 (LDL receptor related protein 6; minus strand). Cytogenetic location: 12p13.2.
Variant type: single nucleotide variant.
Coding change: c.1021C>T on transcript NM_002336.3 (MANE Select); coding-DNA position 1021, C replaced by T.
Protein change: p.Arg341Cys; replaces arginine 341 with cysteine.
Molecular consequence: missense variant. On other transcripts: non-coding transcript variant (1).
Genome position (GRCh38, 1-based): chr12:12,181,395, G>A on the plus strand (C>T on the coding strand, the complement: LRP6 is on the minus strand). VCF-style: chr12-12181395-G-A. GRCh37 (hg19) VCF-style: chr12-12334329-G-A.
Other names: c.1021C>T, p.Arg341Cys (NM_001414244.1, NM_001414245.1, NM_001414246.1 and 5 more transcripts); c.823C>T, p.Arg275Cys (NM_001414247.1); c.568C>T, p.Arg190Cys (NM_001414252.1, NM_001414253.1, NM_001414254.1); short protein forms R190C, R341C, R275C.
Identifiers: ClinVar variation 3693976 (VCV003693976.2).
Genomic context (GRCh38, chr12:12,181,395, plus strand): 5'-GACGGATGTCTTCTAACTGCAGAACAATGTCTGTAAAATCTGGTGTATCCAAAGAAATGC[G>A]TCTCAAGTCTGTCCTTCGAGCTAAAAGCAATAATTCTGTGGCACCTAGAACAACAAAGTG-3'
Protein context (NP_002327.2, residues 331-351): LLLARRTDLR[Arg341Cys]ISLDTPDFTD

ClinVar aggregate classification (germline): Uncertain significance (1 of 4 stars; one submission).

gnomAD v4.1: 18 of 1,484,706 alleles (0.0012%); highest among the groups gnomAD compares: East Asian, 0.0068%; no homozygotes.

Submission:

Labcorp Genetics (formerly Invitae), Labcorp
Classification: Uncertain significance. Last evaluated: 2024-11-04. Review status: criteria provided, single submitter. Criteria: Invitae Variant Classification Sherloc (09022015). Collection method: clinical testing. Allele origin: germline.
Comment: This sequence change replaces arginine, which is basic and polar, with cysteine, which is neutral and slightly polar, at codon 341 of the LRP6 protein (p.Arg341Cys). This variant is present in population databases (rs533564115, gnomAD 0.02%). This variant has not been reported in the literature in individuals affected with LRP6-related conditions. Invitae Evidence Modeling of protein sequence and biophysical properties (such as structural, functional, and spatial information, amino acid conservation, physicochemical variation, residue mobility, and thermodynamic stability) has been performed for this missense variant. However, the output from this modeling did not meet the statistical confidence thresholds required to predict the impact of this variant on LRP6 protein function. In summary, the available evidence is currently insufficient to determine the role of this variant in disease. Therefore, it has been classified as a Variant of Uncertain Significance.